The following is an entry in ClinVar:

ClinVar aggregate classification (germline): Uncertain significance (1 of 4 stars; one submission).

Submission:

GeneDx
Classification: Uncertain significance. Last evaluated: 2022-06-30. Review status: criteria provided, single submitter. Criteria: GeneDx Variant Classification Process June 2021. Collection method: clinical testing. Allele origin: germline. Affected: yes.
Comment: Not observed at significant frequency in large population cohorts (gnomAD); In silico analysis supports that this missense variant has a deleterious effect on protein structure/function; Has not been previously published as pathogenic or benign to our knowledge

NM_014314.4(RIGI):c.2537C>T (p.Pro846Leu)

Gene: RIGI (RNA sensor RIG-I; minus strand). Cytogenetic location: 9p21.1.
Variant type: single nucleotide variant.
Coding change: c.2537C>T on transcript NM_014314.4 (MANE Select); coding-DNA position 2537, C replaced by T.
Protein change: p.Pro846Leu; replaces proline 846 with leucine.
Molecular consequence: missense variant.
Genome position (GRCh38, 1-based): chr9:32,457,363, G>A on the plus strand (C>T on the coding strand, the complement: RIGI is on the minus strand). VCF-style: chr9-32457363-G-A. GRCh37 (hg19) VCF-style: chr9-32457361-G-A.
Other names: c.2531C>T, p.Pro844Leu (NM_001385907.1); c.2366C>T, p.Pro789Leu (NM_001385909.1); c.2096C>T, p.Pro699Leu (NM_001385910.1); c.1928C>T, p.Pro643Leu (NM_001385912.1); c.2522C>T, p.Pro841Leu (NM_001385913.1); c.2093C>T, p.Pro698Leu (NM_001385914.1); short protein forms P643L, P698L, P699L, P789L, P841L, P844L, P846L.
Identifiers: ClinVar variation 1809869 (VCV001809869.1), dbSNP rs2489277493, ClinGen allele CA373142414.